The following is an entry in ClinVar:

ClinVar aggregate classification (germline): Uncertain significance (1 of 4 stars; one submission).

Conditions:
Breast-ovarian cancer, familial, susceptibility to, 4. Identifiers: Orphanet 145, MedGen C3280345, MONDO:0013669, OMIM 614291.

gnomAD v4.1: 1 of 1,613,950 alleles (0.000062%); highest among the groups gnomAD compares: Non-Finnish European, 0.000085%; no homozygotes.

Submission:

Labcorp Genetics (formerly Invitae), Labcorp
Classification: Uncertain significance for Breast-ovarian cancer, familial, susceptibility to, 4. Last evaluated: 2023-05-17. Review status: criteria provided, single submitter. Criteria: Invitae Variant Classification Sherloc (09022015). Collection method: clinical testing. Allele origin: germline.
Comment: In summary, the available evidence is currently insufficient to determine the role of this variant in disease. Therefore, it has been classified as a Variant of Uncertain Significance. Algorithms developed to predict the effect of sequence changes on RNA splicing suggest that this variant may create or strengthen a splice site. Advanced modeling of protein sequence and biophysical properties (such as structural, functional, and spatial information, amino acid conservation, physicochemical variation, residue mobility, and thermodynamic stability) performed at Invitae indicates that this missense variant is not expected to disrupt RAD51D protein function. ClinVar contains an entry for this variant (Variation ID: 2103120). This variant has not been reported in the literature in individuals affected with RAD51D-related conditions. This variant is not present in population databases (gnomAD no frequency). This sequence change replaces arginine, which is basic and polar, with leucine, which is neutral and non-polar, at codon 253 of the RAD51D protein (p.Arg253Leu).

NM_002878.4(RAD51D):c.758G>T (p.Arg253Leu)

Genes: RAD51L3-RFFL (RAD51L3-RFFL readthrough; minus strand), RAD51D (RAD51 paralog D; minus strand). Cytogenetic location: 17q12.
Variant type: single nucleotide variant.
Coding change: c.758G>T on transcript NM_002878.4 (MANE Select); coding-DNA position 758, G replaced by T.
Protein change: p.Arg253Leu; replaces arginine 253 with leucine.
Molecular consequence: missense variant. On other transcripts: non-coding transcript variant (3).
Genome position (GRCh38, 1-based): chr17:35,101,346, C>A on the plus strand (G>T on the coding strand, the complement: RAD51D is on the minus strand). VCF-style: chr17-35101346-C-A. GRCh37 (hg19) VCF-style: chr17-33428365-C-A.
Other names: c.818G>T, p.Arg273Leu (NM_001142571.2); c.422G>T, p.Arg141Leu (NM_133629.3); short protein forms R273L, R253L, R141L.
Identifiers: ClinVar variation 2103120 (VCV002103120.4), dbSNP rs1060502963, ClinGen allele CA399086956.